The following is an entry in ClinVar:

ClinVar aggregate classification (germline): Uncertain significance (1 of 4 stars; one submission).

Submission:

GeneDx
Classification: Uncertain significance. Last evaluated: 2024-03-06. Review status: criteria provided, single submitter. Criteria: GeneDx Variant Classification Process June 2021. Collection method: clinical testing. Allele origin: germline.
Comment: Not observed at significant frequency in large population cohorts (gnomAD); Nonsense variant predicted to result in protein truncation or nonsense mediated decay in a gene for which loss-of-function is not an established mechanism of disease; Has not been previously published as pathogenic or benign to our knowledge; Variants in candidate genes are classified as variants of uncertain significance in accordance with ACMG guidelines (PMID: 25741868)

NM_014921.5(ADGRL1):c.891dup (p.Glu298Ter)

Genes: ADGRL1 (adhesion G protein-coupled receptor L1; minus strand), ADGRL1-AS1 (ADGRL1 antisense RNA 1; plus strand). Cytogenetic location: 19p13.12.
Variant type: Duplication.
Coding change: c.891dup on transcript NM_014921.5 (MANE Select); coding-DNA position 891, one base duplicated (T; older notation c.891dupT).
Protein change: p.Glu298Ter; replaces glutamic acid 298 with a stop codon.
Molecular consequence: nonsense.
Genome position (GRCh38, 1-based): chr19:14,162,910, A duplicated on the plus strand (T on the coding strand, the reverse complement: ADGRL1 is on the minus strand); the first of 3 consecutive A bases (chr19:14,162,910-14,162,912); duplicating any one gives the same sequence. VCF-style (leftmost placement, unchanged base first): chr19-14162909-C-CA. GRCh37 (hg19) VCF-style: chr19-14273721-C-CA.
Other names: c.906dup, p.Glu303Ter (NM_001008701.3); short protein forms E298*, E303*.
Identifiers: ClinVar variation 4891465 (VCV004891465.1).